The following is an entry in ClinVar:

NC_000023.10:g.(?_19764416)_(19764579_?)del

Gene: SH3KBP1 (SH3 domain containing kinase binding protein 1; minus strand). Cytogenetic location: Xp22.12.
Variant type: Deletion.
Identifiers: ClinVar variation 2426990 (VCV002426990.4).

ClinVar aggregate classification (germline): Uncertain significance (1 of 4 stars; one submission).

Submission:

Labcorp Genetics (formerly Invitae), Labcorp
Classification: Uncertain significance. Last evaluated: 2023-06-09. Review status: criteria provided, single submitter. Criteria: Invitae Variant Classification Sherloc (09022015). Collection method: clinical testing. Allele origin: germline.
Comment: In summary, the available evidence is currently insufficient to determine the role of this variant in disease. Therefore, it has been classified as a Variant of Uncertain Significance. This variant has not been reported in the literature in individuals affected with SH3KBP1-related conditions. This variant is a gross deletion of the genomic region encompassing exon(s) 3 of the SH3KBP1 gene. This deletion is out-of-frame, and is expected to create a premature translational stop signal and result in an absent or disrupted protein product. However, the current clinical and genetic evidence is not sufficient to establish whether loss-of-function variants in SH3KBP1 cause disease.